The following is an entry in ClinVar:

NM_001365103.2(ERFL):c.279C>T (p.Tyr93=)

Genes: ARHGEF1 (Rho guanine nucleotide exchange factor 1; plus strand), ERFL (ETS repressor factor like; minus strand). Cytogenetic location: 19q13.2.
Variant type: single nucleotide variant.
Coding change: c.279C>T on transcript NM_001365103.2 (MANE Select); coding-DNA position 279, C replaced by T.
Protein change: p.Tyr93=; no amino-acid change (tyrosine 93 retained).
Molecular consequence: synonymous variant. On other transcripts: intron variant (2).
Genome position (GRCh38, 1-based): chr19:41,909,886, G>A on the plus strand (C>T on the coding strand, the complement: ERFL is on the minus strand). VCF-style: chr19-41909886-G-A. GRCh37 (hg19) VCF-style: chr19-42414038-G-A.
Other names: c.2592+3083G>A (NM_001396003.1); c.2493+3083G>A (NM_001396002.1).
Identifiers: ClinVar variation 4535482 (VCV004535482.6).
Genomic context (GRCh38, chr19:41,909,886, plus strand): 5'-AGGACAAGGTGGGATCCAGCCCCAAGCCCTTCCTCACCGCAGGGCCCGGCTCAGCTTGTC[G>A]TAATTCATGTGGGGCTTGCATTTGCGAATACCCCACAGCCGGGCCACCTCATCGGGGTCT-3'
Protein context (NP_001352032.1, residues 83-103): GIRKCKPHMN[Tyr93=]DKLSRALRYY

ClinVar aggregate classification (germline): Likely benign (1 of 4 stars; one submission).

gnomAD v4.1: 7 of 1,613,000 alleles (0.00043%); highest among the groups gnomAD compares: Admixed American, 0.0017%; no homozygotes.

Submission:

CeGaT Center for Human Genetics Tuebingen
Classification: Likely benign. Last evaluated: 2025-10-01. Review status: criteria provided, single submitter. Criteria: CeGaT Center For Human Genetics Tuebingen Variant Classification Criteria Version 2. Collection method: clinical testing. Allele origin: germline. Affected: yes. Observed: 1 variant allele.
Comment: ERFL: BP4, BP7